The following is an entry in ClinVar:

NM_000057.4(BLM):c.98+1G>A

Gene: BLM (BLM RecQ like helicase; plus strand). Cytogenetic location: 15q26.1.
Variant type: single nucleotide variant.
Coding change: c.98+1G>A on transcript NM_000057.4 (MANE Select); the canonical splice donor site of the intron after coding-DNA position 98, G replaced by A.
Molecular consequence: splice donor variant.
Genome position (GRCh38, 1-based): chr15:90,747,491, G>A. VCF-style: chr15-90747491-G-A. GRCh37 (hg19) VCF-style: chr15-91290721-G-A.
Other names: c.98+1G>A (NM_000057.2, NM_001287246.2, NM_001287247.2); c.-1194+1G>A (NM_001287248.2).
Identifiers: ClinVar variation 371055 (VCV000371055.21), dbSNP rs750293380, ClinGen allele CA7738232.

ClinVar aggregate classification (germline): Pathogenic/Likely pathogenic. Review status: criteria provided, multiple submitters, no conflicts (2 of 4 stars). 8 submissions from 8 submitters: Pathogenic (4); Likely pathogenic (3). 1 of the submissions does not count toward it. Last evaluated 2026-03-16.

Conditions:
BLM-related disorder. Also called: BLM-related condition.
Bloom syndrome (BLM). Also called: Bloom-Torre-Machacek syndrome. Identifiers: Orphanet 125, MedGen C0005859, MONDO:0008876, OMIM 210900.
Hereditary cancer-predisposing syndrome. Also called: Tumor predisposition; Neoplastic Syndromes, Hereditary; Hereditary Cancer Syndrome; Hereditary neoplastic syndrome. Identifiers: Orphanet 140162, MedGen C0027672, MeSH D009386, MONDO:0015356.

gnomAD v4.1: 10 of 1,591,844 alleles (0.00063%); highest among the groups gnomAD compares: South Asian, 0.0067%; no homozygotes.

Submissions (8):

Dasa
Classification: Pathogenic. Last evaluated: 2026-03-16. Review status: criteria provided, single submitter. Criteria: DASA Assertion Criteria. Collection method: clinical testing. Allele origin: germline.
Comment: NM_000057.4(BLM):c.98+1G>A introduces a premature termination codon predicted to result in loss of normal protein function. Loss-of-function is an established mechanism of disease for this gene. This variant results in the same amino acid change as a previously established pathogenic variant. This variant has been observed in affected individuals with related phenotype in a genotype context consistent with recessive disease (PMID: 30523343; PMID: 17407155). This variant has been recurrently observed in individuals with related phenotype (PMID: 30523343; PMID: 17407155). The variant is present at low frequency in population datasets. Based on the available data, this variant is classified as pathogenic.

Labcorp Genetics (formerly Invitae), Labcorp
Classification: Pathogenic for Bloom syndrome. Last evaluated: 2025-11-10. Review status: criteria provided, single submitter. Criteria: Invitae Variant Classification Sherloc (09022015). Collection method: clinical testing. Allele origin: germline.
Comment: This sequence change affects a donor splice site in intron 2 of the BLM gene. RNA analysis indicates that disruption of this splice site induces altered splicing and may result in an absent or altered protein product. This variant is present in population databases (rs750293380, gnomAD 0.007%). Disruption of this splice site has been observed in individual(s) with clinical features of Bloom syndrome and it has also been observed in the heterozygous state in individuals affected with uterine corpus endometrial carcinoma, colorectal cancer, male breast cancer (PMID: 17407155, 26358404, 26689913, 30613976). ClinVar contains an entry for this variant (Variation ID: 371055). Studies have shown that disruption of this splice site results in exon 2 skipping and activation of a cryptic splice site, and produces a non-functional protein and/or introduces a premature termination codon (internal data). For these reasons, this variant has been classified as Pathogenic.

Ambry Genetics
Classification: Likely pathogenic for Hereditary cancer-predisposing syndrome. Last evaluated: 2024-10-07. Review status: criteria provided, single submitter. Criteria: Ambry Variant Classification Scheme 2023. Collection method: clinical testing. Allele origin: germline.
Comment: The c.98+1G>A intronic variant results from a G to A substitution one nucleotide after coding exon 1 of the BLM gene. This alteration has been reported in the heterozygous state in an individual with a personal history of early-onset colorectal cancer and a strong family history of colorectal cancer, as well as an individual with metastatic castration-resistant prostate cancer (de Voer RM et al. Sci Rep, 2015 Sep;5:14060; Antonarakis ES et al. Eur. Urol., 2018 08;74:218-225). Another alteration at this position (c.98+1G>T) has been reported in a compound heterozygous state in an individual diagnosed with Bloom syndrome (German J et al. Hum. Mutat. 2007 Aug;28(8):743-53). This nucleotide position is highly conserved in available vertebrate species. In silico splice site analysis predicts that this alteration will weaken the native splice donor site. Alterations that disrupt the canonical splice site are expected to cause aberrant splicing, resulting in an abnormal protein or a transcript that is subject to nonsense-mediated mRNA decay. As such, this alteration is classified as likely pathogenic.

GeneDx
Classification: Pathogenic. Last evaluated: 2024-06-01. Review status: criteria provided, single submitter. Criteria: GeneDx Variant Classification Process June 2021. Collection method: clinical testing. Allele origin: germline. Affected: yes.
Comment: Observed heterozygous in individuals with metastatic prostate cancer and early-onset colorectal cancer (PMID: 26358404, 31816118, 29439820); Canonical splice site variant predicted to result in a null allele in a gene for which loss of function is a known mechanism of disease; Not observed at significant frequency in large population cohorts (gnomAD); This variant is associated with the following publications: (PMID: 30613976, 17407155, 26689913, 26358404, 29439820, 31816118)

Baylor Genetics
Classification: Pathogenic for Bloom syndrome. Last evaluated: 2023-03-12. Review status: criteria provided, single submitter. Criteria: ACMG Guidelines, 2015. Collection method: clinical testing. Allele origin: unknown.

Myriad Genetics, Inc.
Classification: Likely pathogenic for Bloom syndrome. Last evaluated: 2021-11-03. Review status: criteria provided, single submitter. Criteria: Myriad Women's Health Autosomal Recessive and X-Linked Classification Criteria (2021). Collection method: clinical testing. Allele origin: unknown.
Comment: NM_000057.2(BLM):c.98+1G>A is a canonical splice variant classified as likely pathogenic in the context of Bloom syndrome. c.98+1G>A has not been observed in cases with relevant disease. Functional assessments of this variant are not available in the literature. c.98+1G>A has been observed in population frequency databases (gnomAD: SAS 0.01%). In summary, NM_000057.2(BLM):c.98+1G>A is a canonical splice variant in a gene where loss of function is a known mechanism of disease and is predicted to disrupt protein function. Please note: this variant was assessed in the context of healthy population screening.

Blueprint Genetics
Classification: Likely pathogenic for BLM-related disorders. Last evaluated: 2020-10-27. Review status: criteria provided, single submitter. Criteria: ACMG Guidelines, 2015. Collection method: clinical testing. Allele origin: germline. Affected: yes. Observed: 1 variant allele.

Natera, Inc.
Classification: Likely pathogenic for Bloom syndrome. Last evaluated: 2017-11-10. Review status: no assertion criteria provided. Collection method: clinical testing. Allele origin: germline. Not counted in ClinVar's aggregate classification.

Literature cited by the submitters: PubMed 30523343 (cited by Dasa); PubMed 17407155 (cited by 3 submitters); PubMed 26358404 (cited by Labcorp Genetics (formerly Invitae), Labcorp and Ambry Genetics); PubMed 26689913 (cited by Labcorp Genetics (formerly Invitae), Labcorp); PubMed 30613976 (cited by Labcorp Genetics (formerly Invitae), Labcorp); PubMed 29439820 (cited by Ambry Genetics).